The following is an entry in ClinVar:

NM_001330700.2(TOP2B):c.4232T>C (p.Val1411Ala)

Gene: TOP2B (DNA topoisomerase II beta; minus strand). Cytogenetic location: 3p24.2.
Variant type: single nucleotide variant.
Coding change: c.4232T>C on transcript NM_001330700.2 (MANE Select); coding-DNA position 4232, T replaced by C.
Protein change: p.Val1411Ala; replaces valine 1411 with alanine.
Molecular consequence: missense variant.
Genome position (GRCh38, 1-based): chr3:25,607,237, A>G on the plus strand (T>C on the coding strand, the complement: TOP2B is on the minus strand). VCF-style: chr3-25607237-A-G. GRCh37 (hg19) VCF-style: chr3-25648728-A-G.
Other names: c.4217T>C, p.Val1406Ala (NM_001068.3); short protein forms V1406A, V1411A.
Identifiers: ClinVar variation 4803384 (VCV004803384.1).

ClinVar aggregate classification (germline): Uncertain significance (1 of 4 stars; one submission).

Submission:

Labcorp Genetics (formerly Invitae), Labcorp
Classification: Uncertain significance. Last evaluated: 2025-10-01. Review status: criteria provided, single submitter. Criteria: Invitae Variant Classification Sherloc (09022015). Collection method: clinical testing. Allele origin: germline.
Comment: This sequence change replaces valine, which is neutral and non-polar, with alanine, which is neutral and non-polar, at codon 1406 of the TOP2B protein (p.Val1406Ala). This variant is not present in population databases (gnomAD no frequency). This variant has not been reported in the literature in individuals affected with TOP2B-related conditions. An algorithm developed to predict the effect of missense changes on protein structure and function (PolyPhen-2) suggests that this variant is likely to be tolerated. In summary, the available evidence is currently insufficient to determine the role of this variant in disease. Therefore, it has been classified as a Variant of Uncertain Significance.